The following is an entry in ClinVar:

NM_000256.3(MYBPC3):c.631G>A (p.Asp211Asn)

Gene: MYBPC3 (myosin binding protein C3; minus strand). Cytogenetic location: 11p11.2.
Variant type: single nucleotide variant.
Coding change: c.631G>A on transcript NM_000256.3 (MANE Select); coding-DNA position 631, G replaced by A.
Protein change: p.Asp211Asn; replaces aspartic acid 211 with asparagine.
Molecular consequence: missense variant.
Genome position (GRCh38, 1-based): chr11:47,349,797, C>T on the plus strand (G>A on the coding strand, the complement: MYBPC3 is on the minus strand). VCF-style: chr11-47349797-C-T. GRCh37 (hg19) VCF-style: chr11-47371348-C-T.
Other names: c.631G>A, p.Asp211Asn (LRG_386t1); short protein forms D211N.
Identifiers: ClinVar variation 191706 (VCV000191706.13), dbSNP rs773414747, ClinGen allele CA015561.

ClinVar aggregate classification (germline): Uncertain significance. Review status: criteria provided, multiple submitters, no conflicts (2 of 4 stars). 5 submissions from 5 submitters: Uncertain significance (5). Last evaluated 2026-08-03.

Conditions:
Cardiovascular phenotype. Identifiers: MedGen CN230736.
Cardiomyopathy (CMYO). Also called: Cardiomyopathies. Identifiers: Orphanet 167848, MedGen C0878544, MONDO:0004994, HP:0001638. Inheritance: Various modes of inheritance.
Hypertrophic cardiomyopathy. Also called: HYPERTROPHIC MYOCARDIOPATHY. Identifiers: Orphanet 217569, MedGen C0007194, MeSH D002312, MONDO:0005045, HP:0001639.

Allele frequency attached by ClinVar (database versions not stated): TOPMed below 0.00001; ExAC 0.00001; gnomAD 0.00001; gnomAD exomes 0.00001 and below 0.00001.
gnomAD v4.1: 8 of 1,608,424 alleles (0.0005%); highest among the groups gnomAD compares: Admixed American, 0.0033%; no homozygotes.

Submissions (5):

Ambry Genetics
Classification: Uncertain significance for Cardiovascular phenotype. Last evaluated: 2026-08-03. Review status: criteria provided, single submitter. Criteria: Ambry Variant Classification Scheme 2023. Collection method: clinical testing. Allele origin: germline.
Comment: The p.D211N variant (also known as c.631G>A), located in coding exon 5 of the MYBPC3 gene, results from a G to A substitution at nucleotide position 631. The aspartic acid at codon 211 is replaced by asparagine, an amino acid with highly similar properties. This variant was reported in individual(s) with cardiomyopathy (Mademont-Soler I et al. PLoS One, 2017 Aug;12:e0181465; Walsh R et al. Genet Med, 2017 Feb;19:192-203; Nielsen SK et al. JACC Adv, 2023 Oct;2:100604). This amino acid position is not well conserved in available vertebrate species. In addition, this alteration is predicted to be tolerated by in silico analysis. Based on the available evidence, the clinical significance of this variant remains unclear.

Color Diagnostics, LLC DBA Color Health
Classification: Uncertain significance for Cardiomyopathy. Last evaluated: 2024-08-05. Review status: criteria provided, single submitter. Criteria: ACMG Guidelines, 2015. Collection method: clinical testing. Allele origin: germline.
Comment: This missense variant replaces aspartic acid with asparagine at codon 211 of the MYBPC3 protein. Computational prediction tools indicate that this variant has a neutral impact on protein structure and function. To our knowledge, functional studies have not been reported for this variant. This variant has been reported in individuals affected with hypertrophic cardiomyopathy (PMID: 27532257, 28771489). This variant has been identified in 2/243068 chromosomes in the general population by the Genome Aggregation Database (gnomAD). The available evidence is insufficient to determine the role of this variant in disease conclusively. Therefore, this variant is classified as a Variant of Uncertain Significance.

Labcorp Genetics (formerly Invitae), Labcorp
Classification: Uncertain significance for Hypertrophic cardiomyopathy. Last evaluated: 2023-09-10. Review status: criteria provided, single submitter. Criteria: Invitae Variant Classification Sherloc (09022015). Collection method: clinical testing. Allele origin: germline.
Comment: This sequence change replaces aspartic acid, which is acidic and polar, with asparagine, which is neutral and polar, at codon 211 of the MYBPC3 protein (p.Asp211Asn). This variant is present in population databases (rs773414747, gnomAD 0.002%). This missense change has been observed in individuals with hypertrophic cardiomyopathy (PMID: 27532257, 28771489). ClinVar contains an entry for this variant (Variation ID: 191706). An algorithm developed to predict the effect of missense changes on protein structure and function (PolyPhen-2) suggests that this variant is likely to be tolerated. In summary, the available evidence is currently insufficient to determine the role of this variant in disease. Therefore, it has been classified as a Variant of Uncertain Significance.

All of Us Research Program, National Institutes of Health
Classification: Uncertain significance for Hypertrophic cardiomyopathy. Last evaluated: 2023-05-30. Review status: criteria provided, single submitter. Criteria: ACMG Guidelines, 2015. Collection method: clinical testing. Allele origin: germline. Inheritance: Autosomal dominant inheritance. Observed: 1 variant allele, 1 heterozygote.
Comment: This missense variant replaces aspartic acid with asparagine at codon 211 of the MYBPC3 protein. Computational prediction suggests that this variant may not impact protein structure and function (internally defined REVEL score threshold <= 0.5, PMID: 27666373). To our knowledge, functional studies have not been reported for this variant. This variant has been reported in individuals affected with hypertrophic cardiomyopathy (PMID: 27532257, 28771489). This variant has been identified in 2/243068 chromosomes in the general population by the Genome Aggregation Database (gnomAD). The available evidence is insufficient to determine the role of this variant in disease conclusively. Therefore, this variant is classified as a Variant of Uncertain Significance.

This study involves interpretation of variants in research participants for the purpose of population health screening. Participant phenotype was not available at the time of variant classification. Additional details can be found in publication PMID: 35346344, PMCID: PMC8962531

Biesecker Lab/Clinical Genomics Section, National Institutes of Health
Classification: Uncertain significance. Last evaluated: 2013-06-24. Review status: criteria provided, single submitter. Criteria: Ng et al. (Circ Cardiovasc Genet. 2013). Collection method: research. Allele origin: unknown. Observed: 1 variant allele. Study: ClinSeq.
Comment: The study set was not selected for affection status in relation to any cancer. Pathogenicity categories were based on literature curation. See Pubmed ID:23861362 for details.

Medical sequencing

Literature cited by the submitters: PubMed 27532257 (cited by 4 submitters); PubMed 28771489 (cited by 4 submitters); PubMed 38938358 (cited by Ambry Genetics).